The following is an entry in ClinVar:

ClinVar aggregate classification (germline): Conflicting classifications of pathogenicity. Review status: criteria provided, conflicting classifications (1 of 4 stars). 6 submissions from 6 submitters: Uncertain significance (1); Benign (1); Likely benign (3). 1 of the submissions does not count toward it. Last evaluated 2026-03-01.

Conditions:
POLG-related disorder. Also called: POLG-Related Spectrum Disorders; POLG-related condition; POLG-Related Disorders. Identifiers: MedGen C4763519.
Progressive sclerosing poliodystrophy (MTDPS4A). Also called: Mitochondrial DNA depletion syndrome 4A (Alpers type); Alpers Syndrome; Mitochondrial DNA Depletion Syndrome 4A; Alpers-Huttenlocher Syndrome (AHS); ALPERS PROGRESSIVE INFANTILE POLIODYSTROPHY; ALPERS DIFFUSE DEGENERATION OF CEREBRAL GRAY MATTER WITH HEPATIC CIRRHOSIS. Identifiers: Orphanet 726, MedGen C0205710, MONDO:0008758, OMIM 203700.

Allele frequency attached by ClinVar (database versions not stated): ExAC 0.00003; gnomAD 0.00004 and 0.00005; gnomAD exomes 0.00005; TOPMed 0.00007; ESP Exome Variant Server 0.00015; 1000 Genomes Project 30x 0.00031; 1000 Genomes Project 0.00040.

Submissions (6):

CeGaT Center for Human Genetics Tuebingen
Classification: Likely benign. Last evaluated: 2026-03-01. Review status: criteria provided, single submitter. Criteria: CeGaT Center For Human Genetics Tuebingen Variant Classification Criteria Version 2. Collection method: clinical testing. Allele origin: germline. Affected: yes. Observed: 3 variant alleles.
Comment: POLG: BP4, BP7

Labcorp Genetics (formerly Invitae), Labcorp
Classification: Likely benign for Progressive sclerosing poliodystrophy. Last evaluated: 2026-01-30. Review status: criteria provided, single submitter. Criteria: Invitae Variant Classification Sherloc (09022015). Collection method: clinical testing. Allele origin: germline.

Blueprint Genetics
Classification: Likely benign. Last evaluated: 2024-10-09. Review status: criteria provided, single submitter. Criteria: ACMG Guidelines, 2015. Collection method: clinical testing. Allele origin: germline.

Eurofins Ntd Llc (ga)
Classification: Uncertain significance. Last evaluated: 2016-06-08. Review status: criteria provided, single submitter. Criteria: EGL Classification Definitions 2015. Collection method: clinical testing. Allele origin: germline. Observed: 1 variant allele, 1 heterozygote.

GeneDx
Classification: Benign. Last evaluated: 2015-09-18. Review status: criteria provided, single submitter. Criteria: GeneDx Variant Classification (06012015). Collection method: clinical testing. Allele origin: germline. Affected: yes.
Comment: This variant is considered likely benign or benign based on one or more of the following criteria: it is a conservative change, it occurs at a poorly conserved position in the protein, it is predicted to be benign by multiple in silico algorithms, and/or has population frequency not consistent with disease.

PreventionGenetics, part of Exact Sciences
Classification: Likely benign for POLG-related condition. Last evaluated: 2021-07-12. Review status: no assertion criteria provided. Collection method: clinical testing. Allele origin: germline. Not counted in ClinVar's aggregate classification.
Comment: This variant is classified as likely benign based on ACMG/AMP sequence variant interpretation guidelines (Richards et al. 2015 PMID: 25741868, with internal and published modifications).

NM_002693.3(POLG):c.2487C>T (p.Pro829=)

Gene: POLG (DNA polymerase gamma, catalytic subunit; minus strand). Cytogenetic location: 15q26.1.
Variant type: single nucleotide variant.
Coding change: c.2487C>T on transcript NM_002693.3 (MANE Select); coding-DNA position 2487, C replaced by T.
Protein change: p.Pro829=; no amino-acid change (proline 829 retained).
Molecular consequence: synonymous variant.
Genome position (GRCh38, 1-based): chr15:89,321,847, G>A on the plus strand (C>T on the coding strand, the complement: POLG is on the minus strand). VCF-style: chr15-89321847-G-A. GRCh37 (hg19) VCF-style: chr15-89865078-G-A.
Other names: c.2487C>T, p.Pro829= (NM_001126131.2).
Identifiers: ClinVar variation 288698 (VCV000288698.58), dbSNP rs147563527, ClinGen allele CA7724444.
Genomic context (GRCh38, chr15:89,321,847, plus strand): 5'-GGTGCCGGCAGTCACCACTTGGGGCAGGATGGCCCCATAGAGGCCTTCCTCATCATAGTC[G>A]GGGTGCCTGGTGGGGTGCAGGGGAAGGAAATGGGTCTTAGCAGGGTGCTTTGGCCTTAGG-3'
Protein context (NP_002684.1, residues 819-839): SALPRAVIRH[Pro829=]DYDEEGLYGA